The following is an entry in ClinVar:

NM_033004.4(NLRP1):c.2126T>A (p.Leu709Gln)

Gene: NLRP1 (NLR family pyrin domain containing 1; minus strand). Cytogenetic location: 17p13.2.
Variant type: single nucleotide variant.
Coding change: c.2126T>A on transcript NM_033004.4 (MANE Select); coding-DNA position 2126, T replaced by A.
Protein change: p.Leu709Gln; replaces leucine 709 with glutamine.
Molecular consequence: missense variant.
Genome position (GRCh38, 1-based): chr17:5,558,570, A>T on the plus strand (T>A on the coding strand, the complement: NLRP1 is on the minus strand). VCF-style: chr17-5558570-A-T. GRCh37 (hg19) VCF-style: chr17-5461890-A-T.
Other names: c.2126T>A, p.Leu709Gln (NM_001033053.3, NM_014922.5, NM_033006.4 and 1 more transcripts); short protein forms L709Q.
Identifiers: ClinVar variation 2792596 (VCV002792596.3), dbSNP rs375135349, ClinGen allele CA8327252.

ClinVar aggregate classification (germline): Uncertain significance (1 of 4 stars; one submission).

Allele frequency attached by ClinVar (database versions not stated): ExAC 0.00002; ESP Exome Variant Server 0.00008; TOPMed below 0.00001.
gnomAD v4.1: 2 of 1,613,940 alleles (0.00012%); highest among the groups gnomAD compares: African/African-American, 0.0013%; no homozygotes.

Submission:

Labcorp Genetics (formerly Invitae), Labcorp
Classification: Uncertain significance. Last evaluated: 2025-02-03. Review status: criteria provided, single submitter. Criteria: Invitae Variant Classification Sherloc (09022015). Collection method: clinical testing. Allele origin: germline.
Comment: This sequence change replaces leucine, which is neutral and non-polar, with glutamine, which is neutral and polar, at codon 709 of the NLRP1 protein (p.Leu709Gln). This variant is present in population databases (rs375135349, gnomAD 0.01%). This variant has not been reported in the literature in individuals affected with NLRP1-related conditions. ClinVar contains an entry for this variant (Variation ID: 2792596). An algorithm developed to predict the effect of missense changes on protein structure and function (PolyPhen-2) suggests that this variant is likely to be tolerated. In summary, the available evidence is currently insufficient to determine the role of this variant in disease. Therefore, it has been classified as a Variant of Uncertain Significance.